The following is an entry in ClinVar:

NM_015164.4(PLEKHM2):c.2805+3G>A

Gene: PLEKHM2 (pleckstrin homology and RUN domain containing M2; plus strand). Cytogenetic location: 1p36.21.
Variant type: single nucleotide variant.
Coding change: c.2805+3G>A on transcript NM_015164.4 (MANE Select); 3 bases into the intron after coding-DNA position 2805, G replaced by A.
Molecular consequence: intron variant.
Genome position (GRCh38, 1-based): chr1:15,732,532, G>A. VCF-style: chr1-15732532-G-A. GRCh37 (hg19) VCF-style: chr1-16059027-G-A.
Identifiers: ClinVar variation 940663 (VCV000940663.7), dbSNP rs537871625, ClinGen allele CA416377362.
Genomic context (GRCh38, chr1:15,732,532, plus strand): 5'-CAAGCTGGGCGACATCAGCGCCGTCTCCACCGAGCCGGGCAAGGAGTACTGCGTCTTGGT[G>A]AGCTTTGAGTGGGGGCGGGGCTGCAAGGCCTGCAGAAGGAAAGCTCTGGCTGCTCACCCG-3'

ClinVar aggregate classification (germline): Uncertain significance (1 of 4 stars; one submission).

Submission:

Labcorp Genetics (formerly Invitae), Labcorp
Classification: Uncertain significance. Last evaluated: 2019-09-24. Review status: criteria provided, single submitter. Criteria: Invitae Variant Classification Sherloc (09022015). Collection method: clinical testing. Allele origin: germline.
Comment: In summary, the available evidence is currently insufficient to determine the role of this variant in disease. Therefore, it has been classified as a Variant of Uncertain Significance. Nucleotide substitutions within the consensus splice site are a relatively common cause of aberrant splicing (PMID: 17576681, 9536098). Algorithms developed to predict the effect of sequence changes on RNA splicing suggest that this variant is not likely to affect RNA splicing, but this prediction has not been confirmed by published transcriptional studies. This variant has not been reported in the literature in individuals with PLEKHM2-related conditions. This variant is not present in population databases (ExAC no frequency). This sequence change falls in intron 18 of the PLEKHM2 gene. It does not directly change the encoded amino acid sequence of the PLEKHM2 protein, but it affects a nucleotide within the consensus splice site of the intron.

Literature cited by the submitters: PubMed 17576681; PubMed 9536098.